The following is an entry in ClinVar:

ClinVar aggregate classification (germline): Uncertain significance. Review status: criteria provided, multiple submitters, no conflicts (2 of 4 stars). 3 submissions from 3 submitters: Uncertain significance (3). Last evaluated 2025-06-19.

Conditions:
Familial cancer of breast. Also called: BREAST CANCER, FAMILIAL; Hereditary breast cancer; hereditary breast carcinoma. Identifiers: Orphanet 227535, MedGen C0346153, MONDO:0016419, OMIM 114480. Disease mechanism: loss of function.
Fanconi anemia complementation group J. Also called: BRIP1-Related Fanconi Anemia. Identifiers: Orphanet 84, MedGen C1836860, MONDO:0012187, OMIM 609054.
Hereditary cancer-predisposing syndrome. Also called: Neoplastic Syndromes, Hereditary; Hereditary neoplastic syndrome; Hereditary Cancer Syndrome; Tumor predisposition. Identifiers: Orphanet 140162, MedGen C0027672, MeSH D009386, MONDO:0015356.

Submissions (3):

Ambry Genetics
Classification: Uncertain significance for Hereditary cancer-predisposing syndrome. Last evaluated: 2025-06-19. Review status: criteria provided, single submitter. Criteria: Ambry Variant Classification Scheme 2023. Collection method: clinical testing. Allele origin: germline.
Comment: The p.S960R variant (also known as c.2878A>C), located in coding exon 18 of the BRIP1 gene, results from an A to C substitution at nucleotide position 2878. The serine at codon 960 is replaced by arginine, an amino acid with dissimilar properties. This amino acid position is conserved. In addition, this alteration is predicted to be tolerated by in silico analysis. Based on the available evidence, the clinical significance of this variant remains unclear.

Color Diagnostics, LLC DBA Color Health
Classification: Uncertain significance for Hereditary cancer-predisposing syndrome. Last evaluated: 2025-03-31. Review status: criteria provided, single submitter. Criteria: ACMG Guidelines, 2015. Collection method: clinical testing. Allele origin: germline.
Comment: This missense variant replaces serine with arginine at codon 960 of the BRIP1 protein. Computational prediction suggests that this variant may not impact protein structure and function (internally defined REVEL score threshold <= 0.5, PMID: 27666373). To our knowledge, functional studies have not been reported for this variant. This variant has not been reported in individuals affected with BRIP1-related disorders in the literature. This variant has not been identified in the general population by the Genome Aggregation Database (gnomAD). The available evidence is insufficient to determine the role of this variant in disease conclusively. Therefore, this variant is classified as a Variant of Uncertain Significance.

Labcorp Genetics (formerly Invitae), Labcorp
Classification: Uncertain significance for Familial cancer of breast; Fanconi anemia complementation group J. Last evaluated: 2021-10-07. Review status: criteria provided, single submitter. Criteria: Invitae Variant Classification Sherloc (09022015). Collection method: clinical testing. Allele origin: germline.
Comment: This sequence change replaces serine with arginine at codon 960 of the BRIP1 protein (p.Ser960Arg). The serine residue is weakly conserved and there is a moderate physicochemical difference between serine and arginine. This variant is not present in population databases (ExAC no frequency). This variant has not been reported in the literature in individuals affected with BRIP1-related conditions. Algorithms developed to predict the effect of missense changes on protein structure and function output the following: SIFT: "Tolerated"; PolyPhen-2: "Benign"; Align-GVGD: "Class C0". The arginine amino acid residue is found in multiple mammalian species, which suggests that this missense change does not adversely affect protein function. In summary, the available evidence is currently insufficient to determine the role of this variant in disease. Therefore, it has been classified as a Variant of Uncertain Significance.

NM_032043.3(BRIP1):c.2878A>C (p.Ser960Arg)

Gene: BRIP1 (BRCA1 interacting DNA helicase 1; minus strand). Cytogenetic location: 17q23.2.
Variant type: single nucleotide variant.
Coding change: c.2878A>C on transcript NM_032043.3 (MANE Select); coding-DNA position 2878, A replaced by C.
Protein change: p.Ser960Arg; replaces serine 960 with arginine.
Molecular consequence: missense variant.
Genome position (GRCh38, 1-based): chr17:61,685,863, T>G on the plus strand (A>C on the coding strand, the complement: BRIP1 is on the minus strand). VCF-style: chr17-61685863-T-G. GRCh37 (hg19) VCF-style: chr17-59763224-T-G.
Other names: short protein forms S960R.
Identifiers: ClinVar variation 948336 (VCV000948336.10), dbSNP rs1603276532, ClinGen allele CA400481215.